The following is an entry in ClinVar:

NC_000012.11:g.(?_25362729)_(25362865_?)dup

Gene: KRAS (KRAS proto-oncogene, GTPase; minus strand). Cytogenetic location: 12p12.1.
Variant type: Duplication.
Identifiers: ClinVar variation 2425255 (VCV002425255.4).

ClinVar aggregate classification (germline): Uncertain significance (1 of 4 stars; one submission).

Conditions:
RASopathy. Also called: Noonan spectrum disorder; rasopathies. Identifiers: Orphanet 536391, MedGen C5555857, MONDO:0021060.

Submission:

Labcorp Genetics (formerly Invitae), Labcorp
Classification: Uncertain significance for RASopathy. Last evaluated: 2021-11-17. Review status: criteria provided, single submitter. Criteria: Invitae Variant Classification Sherloc (09022015). Collection method: clinical testing. Allele origin: germline.
Comment: This variant has not been reported in the literature in individuals affected with KRAS-related conditions. In summary, the available evidence is currently insufficient to determine the role of this variant in disease. Therefore, it has been classified as a Variant of Uncertain Significance. Experimental studies and prediction algorithms are not available or were not evaluated, and the functional significance of this variant is currently unknown. This variant results in a copy number gain of the genomic region encompassing exon(s) 5 of the KRAS gene. This region includes the termination codon of the gene. This copy number gain extends beyond the assayed region for this gene and therefore may encompass additional genes. As the precise location of this event is unknown, it may be in tandem or it may be located elsewhere in the genome.